The following is an entry in ClinVar:

ClinVar aggregate classification (germline): Uncertain significance (1 of 4 stars; one submission).

Allele frequency attached by ClinVar (database versions not stated): ExAC 0.00001.
gnomAD v4.1: 5 of 1,613,688 alleles (0.00031%); highest among the groups gnomAD compares: Non-Finnish European, 0.00042%; no homozygotes.

Submission:

Labcorp Genetics (formerly Invitae), Labcorp
Classification: Uncertain significance. Last evaluated: 2022-05-10. Review status: criteria provided, single submitter. Criteria: Invitae Variant Classification Sherloc (09022015). Collection method: clinical testing. Allele origin: germline.
Comment: In summary, the available evidence is currently insufficient to determine the role of this variant in disease. Therefore, it has been classified as a Variant of Uncertain Significance. Algorithms developed to predict the effect of missense changes on protein structure and function are either unavailable or do not agree on the potential impact of this missense change (SIFT: "Deleterious"; PolyPhen-2: "Probably Damaging"; Align-GVGD: "Class C15"). This variant has not been reported in the literature in individuals affected with DMXL2-related conditions. This variant is present in population databases (rs767938506, gnomAD 0.0009%). This sequence change replaces histidine, which is basic and polar, with glutamine, which is neutral and polar, at codon 513 of the DMXL2 protein (p.His513Gln).

NM_001378457.1(DMXL2):c.1539C>G (p.His513Gln)

Gene: DMXL2 (Dmx like 2; minus strand). Cytogenetic location: 15q21.2.
Variant type: single nucleotide variant.
Coding change: c.1539C>G on transcript NM_001378457.1 (MANE Select); coding-DNA position 1539, C replaced by G.
Protein change: p.His513Gln; replaces histidine 513 with glutamine.
Molecular consequence: missense variant. On other transcripts: non-coding transcript variant (2).
Genome position (GRCh38, 1-based): chr15:51,537,566, G>C on the plus strand (C>G on the coding strand, the complement: DMXL2 is on the minus strand). VCF-style: chr15-51537566-G-C. GRCh37 (hg19) VCF-style: chr15-51829763-G-C.
Other names: c.1539C>G, p.His513Gln (NM_001174116.3, NM_001174117.3, NM_001378458.1 and 6 more transcripts); c.1299C>G, p.His433Gln (NM_001378464.1); short protein forms H513Q, H433Q.
Identifiers: ClinVar variation 1959346 (VCV001959346.5), dbSNP rs767938506, ClinGen allele CA7562568.